The following is an entry in ClinVar:

ClinVar aggregate classification (germline): Conflicting classifications of pathogenicity. Review status: criteria provided, conflicting classifications (1 of 4 stars). 3 submissions from 3 submitters: Uncertain significance (2); Likely benign (1). Last evaluated 2025-04-09.

Conditions:
Cutis laxa, autosomal recessive, type 1B (ARCL1B). Also called: CUTIS LAXA, AUTOSOMAL RECESSIVE, TYPE IB; EFEMP2-Related Cutis Laxa. Identifiers: Orphanet 90349, MedGen C3280798, MONDO:0013754, OMIM 614437. Disease mechanism: loss of function.

Allele frequency attached by ClinVar (database versions not stated): 1000 Genomes Project 30x 0.00016; 1000 Genomes Project 0.00020; ExAC 0.00049; TOPMed 0.00066; gnomAD 0.00068; gnomAD exomes 0.00074 and 0.00083.
gnomAD v4.1: 554 of 703,324 alleles (0.079%); highest among the groups gnomAD compares: Non-Finnish European, 0.12%; no homozygotes.

Submissions (3):

Molecular Diagnostic Laboratory for Inherited Cardiovascular Disease, Montreal Heart Institute
Classification: Likely benign. Last evaluated: 2025-04-09. Review status: criteria provided, single submitter. Criteria: ACMG Guidelines, 2015. Collection method: clinical testing. Allele origin: germline. Affected: no.
Comment: BS1

Illumina Laboratory Services, Illumina
Classification: Uncertain significance for Cutis laxa, autosomal recessive, type 1B. Last evaluated: 2018-01-13. Review status: criteria provided, single submitter. Criteria: ICSL Variant Classification Criteria 13 December 2019. Collection method: clinical testing. Allele origin: germline.

Breakthrough Genomics
Classification: Uncertain significance. Review status: criteria provided, single submitter. Criteria: ACMG Guidelines, 2015. Collection method: not provided. Allele origin: germline. Inheritance: Autosomal recessive inheritance. Affected: yes.

NM_016938.5(EFEMP2):c.*282C>T

Genes: EFEMP2 (EGF-like fibulin extracellular matrix protein 2; minus strand), MUS81 (MUS81 structure-specific endonuclease subunit; plus strand). Cytogenetic location: 11q13.1.
Variant type: single nucleotide variant.
Coding change: c.*282C>T on transcript NM_016938.5 (MANE Select); 282 bases downstream of the stop codon, C replaced by T.
Molecular consequence: 3 prime UTR variant. On other transcripts: non-coding transcript variant (1).
Genome position (GRCh38, 1-based): chr11:65,866,636, G>A on the plus strand (C>T on the coding strand, the complement: EFEMP2 is on the minus strand). VCF-style: chr11-65866636-G-A. GRCh37 (hg19) VCF-style: chr11-65634107-G-A.
Identifiers: ClinVar variation 305373 (VCV000305373.7), dbSNP rs572394429, ClinGen allele CA6110314.